The following is an entry in ClinVar:

ClinVar aggregate classification (germline): Pathogenic (1 of 4 stars; one submission).

Conditions:
Legius syndrome. Identifiers: Orphanet 137605, MedGen C1969623, MONDO:0012669, OMIM 611431. Disease mechanism: loss of function.

Submission:

Labcorp Genetics (formerly Invitae), Labcorp
Classification: Pathogenic for Legius syndrome. Last evaluated: 2023-11-05. Review status: criteria provided, single submitter. Criteria: Invitae Variant Classification Sherloc (09022015). Collection method: clinical testing. Allele origin: germline.
Comment: This sequence change creates a premature translational stop signal (p.Glu129*) in the SPRED1 gene. It is expected to result in an absent or disrupted protein product. Loss-of-function variants in SPRED1 are known to be pathogenic (PMID: 17704776). This variant is not present in population databases (gnomAD no frequency). This variant has not been reported in the literature in individuals affected with SPRED1-related conditions. ClinVar contains an entry for this variant (Variation ID: 1072751). For these reasons, this variant has been classified as Pathogenic.

Literature cited by the submitters: PubMed 17704776.

NM_152594.3(SPRED1):c.385G>T (p.Glu129Ter)

Gene: SPRED1 (sprouty related EVH1 domain containing 1; plus strand). Cytogenetic location: 15q14.
Variant type: single nucleotide variant.
Coding change: c.385G>T on transcript NM_152594.3 (MANE Select); coding-DNA position 385, G replaced by T.
Protein change: p.Glu129Ter; replaces glutamic acid 129 with a stop codon.
Molecular consequence: nonsense.
Genome position (GRCh38, 1-based): chr15:38,324,771, G>T. VCF-style: chr15-38324771-G-T. GRCh37 (hg19) VCF-style: chr15-38616972-G-T.
Other names: short protein forms E129*.
Identifiers: ClinVar variation 1072751 (VCV001072751.7), dbSNP rs764823722, ClinGen allele CA391932296.
Genomic context (GRCh38, chr15:38,324,771, plus strand): 5'-GGACTCTAAGACAAAAATTCTATACTTAATTAACTTTTATCTATTTTCTTAGGATGCCCC[G>T]AATCAAAAAATGAAGCTGAAGGGGCAGATGACTTACAAGTAAGTAATGGCTTGGAAGGAA-3'